The following is an entry in ClinVar:

ClinVar aggregate classification (germline): Uncertain significance. Review status: criteria provided, multiple submitters, no conflicts (2 of 4 stars). 2 submissions from 2 submitters: Uncertain significance (2). Last evaluated 2025-12-03.

Conditions:
Inborn genetic diseases. Identifiers: MedGen C0950123, MeSH D030342.

Allele frequency attached by ClinVar (database versions not stated): gnomAD exomes 0.00001 and 0.00002; ExAC 0.00002.

Submissions (2):

Labcorp Genetics (formerly Invitae), Labcorp
Classification: Uncertain significance. Last evaluated: 2025-12-03. Review status: criteria provided, single submitter. Criteria: Invitae Variant Classification Sherloc (09022015). Collection method: clinical testing. Allele origin: germline.
Comment: This sequence change replaces cysteine, which is neutral and slightly polar, with tyrosine, which is neutral and polar, at codon 699 of the DSG1 protein (p.Cys699Tyr). This variant is present in population databases (rs770142732, gnomAD 0.02%). This variant has not been reported in the literature in individuals affected with DSG1-related conditions. ClinVar contains an entry for this variant (Variation ID: 1417390). Invitae Evidence Modeling of protein sequence and biophysical properties (such as structural, functional, and spatial information, amino acid conservation, physicochemical variation, residue mobility, and thermodynamic stability) indicates that this missense variant is not expected to disrupt DSG1 protein function with a negative predictive value of 80%. In summary, the available evidence is currently insufficient to determine the role of this variant in disease. Therefore, it has been classified as a Variant of Uncertain Significance.

Ambry Genetics
Classification: Uncertain significance for Inborn genetic diseases. Last evaluated: 2021-06-22. Review status: criteria provided, single submitter. Criteria: Ambry Variant Classification Scheme 2023. Collection method: clinical testing. Allele origin: germline.

NM_001942.4(DSG1):c.2096G>A (p.Cys699Tyr)

Genes: DSG1 (desmoglein 1; plus strand), DSG1-AS1 (DSG1 antisense RNA 1; minus strand). Cytogenetic location: 18q12.1.
Variant type: single nucleotide variant.
Coding change: c.2096G>A on transcript NM_001942.4 (MANE Select); coding-DNA position 2096, G replaced by A.
Protein change: p.Cys699Tyr; replaces cysteine 699 with tyrosine.
Molecular consequence: missense variant.
Genome position (GRCh38, 1-based): chr18:31,346,194, G>A. VCF-style: chr18-31346194-G-A. GRCh37 (hg19) VCF-style: chr18-28926157-G-A.
Other names: c.2096G>A (NM_001942.2); short protein forms C699Y.
Identifiers: ClinVar variation 1417390 (VCV001417390.7), dbSNP rs770142732, ClinGen allele CA8926259.